The following is an entry in ClinVar:

NM_001099922.3(ALG13):c.1844T>G (p.Leu615Arg)

Gene: ALG13 (ALG13 UDP-N-acetylglucosaminyltransferase subunit; plus strand). Cytogenetic location: Xq23.
Variant type: single nucleotide variant.
Coding change: c.1844T>G on transcript NM_001099922.3 (MANE Select); coding-DNA position 1844, T replaced by G.
Protein change: p.Leu615Arg; replaces leucine 615 with arginine.
Molecular consequence: missense variant. On other transcripts: non-coding transcript variant (1).
Genome position (GRCh38, 1-based): chrX:111,726,923, T>G. VCF-style: chrX-111726923-T-G. GRCh37 (hg19) VCF-style: chrX-110970151-T-G.
Other names: c.1532T>G, p.Leu511Arg (NM_001257230.2, NM_001257234.2, NM_001257237.2); c.1610T>G, p.Leu537Arg (NM_001257231.2); c.1844T>G, p.Leu615Arg (NM_001324292.2); c.1358T>G, p.Leu453Arg (NM_001324293.1); short protein forms L453R, L537R, L511R, L615R.
Identifiers: ClinVar variation 2916382 (VCV002916382.3), dbSNP rs1331296630, ClinGen allele CA414252669.

ClinVar aggregate classification (germline): Uncertain significance (1 of 4 stars; one submission).

Conditions:
Developmental and epileptic encephalopathy, 36 (DEE36). Also called: Congenital disorder of glycosylation, type Is; Epileptic encephalopathy, early infantile, 36; ALG13-CDG. Identifiers: Orphanet 324422, MedGen C4317295, MONDO:0010472, OMIM 300884.

Allele frequency attached by ClinVar (database versions not stated): TOPMed 0.00001.

Submission:

Labcorp Genetics (formerly Invitae), Labcorp
Classification: Uncertain significance for Developmental and epileptic encephalopathy, 36. Last evaluated: 2023-07-14. Review status: criteria provided, single submitter. Criteria: Invitae Variant Classification Sherloc (09022015). Collection method: clinical testing. Allele origin: germline.
Comment: This variant has not been reported in the literature in individuals affected with ALG13-related conditions. This variant is not present in population databases (gnomAD no frequency). This sequence change replaces leucine, which is neutral and non-polar, with arginine, which is basic and polar, at codon 615 of the ALG13 protein (p.Leu615Arg). In summary, the available evidence is currently insufficient to determine the role of this variant in disease. Therefore, it has been classified as a Variant of Uncertain Significance. Advanced modeling of protein sequence and biophysical properties (such as structural, functional, and spatial information, amino acid conservation, physicochemical variation, residue mobility, and thermodynamic stability) performed at Invitae indicates that this missense variant is not expected to disrupt ALG13 protein function.